The following is an entry in ClinVar:

NM_015046.7(SETX):c.980A>T (p.Glu327Val)

Gene: SETX (senataxin; minus strand). Cytogenetic location: 9q34.13.
Variant type: single nucleotide variant.
Coding change: c.980A>T on transcript NM_015046.7 (MANE Select); coding-DNA position 980, A replaced by T.
Protein change: p.Glu327Val; replaces glutamic acid 327 with valine.
Molecular consequence: missense variant.
Genome position (GRCh38, 1-based): chr9:132,331,307, T>A on the plus strand (A>T on the coding strand, the complement: SETX is on the minus strand). VCF-style: chr9-132331307-T-A. GRCh37 (hg19) VCF-style: chr9-135206694-T-A.
Other names: c.980A>T, p.Glu327Val (NM_001351527.2, NM_001351528.2); short protein forms E327V.
Identifiers: ClinVar variation 1435115 (VCV001435115.6), dbSNP rs1315992594, ClinGen allele CA375346458.

ClinVar aggregate classification (germline): Uncertain significance (1 of 4 stars; one submission).

Conditions:
Amyotrophic lateral sclerosis type 4 (ALS4). Also called: AMYOTROPHIC LATERAL SCLEROSIS 4, JUVENILE; NEURONOPATHY, DISTAL HEREDITARY MOTOR, WITH PYRAMIDAL FEATURES. Identifiers: Orphanet 357043, MedGen C1865409, MONDO:0011223, OMIM 602433.
Spinocerebellar ataxia, autosomal recessive, with axonal neuropathy 2 (SCAN2). Also called: Ataxia with Oculomotor Apraxia Type 2; ATAXIA-OCULOMOTOR APRAXIA 2; Ataxia-ocular apraxia-2; Ataxia with Oculomotor Apraxia. Identifiers: Orphanet 64753, MedGen C1853761, MONDO:0018996, OMIM 606002.

Allele frequency attached by ClinVar (database versions not stated): gnomAD 0.00001; gnomAD exomes 0.00001; TOPMed 0.00001.
gnomAD v4.1: 10 of 1,613,984 alleles (0.00062%); highest among the groups gnomAD compares: Non-Finnish European, 0.00085%; no homozygotes.

Submission:

Labcorp Genetics (formerly Invitae), Labcorp
Classification: Uncertain significance for Amyotrophic lateral sclerosis type 4; Spinocerebellar ataxia, autosomal recessive, with axonal neuropathy 2. Last evaluated: 2021-10-28. Review status: criteria provided, single submitter. Criteria: Invitae Variant Classification Sherloc (09022015). Collection method: clinical testing. Allele origin: germline.
Comment: In summary, the available evidence is currently insufficient to determine the role of this variant in disease. Therefore, it has been classified as a Variant of Uncertain Significance. Advanced modeling of protein sequence and biophysical properties (such as structural, functional, and spatial information, amino acid conservation, physicochemical variation, residue mobility, and thermodynamic stability) performed at Invitae indicates that this missense variant is expected to disrupt SETX protein function. This missense change has been observed in individual(s) with amyotrophic lateral sclerosis (PMID: 25382069). This variant is present in population databases (no rsID available, gnomAD 0.002%). This sequence change replaces glutamic acid, which is acidic and polar, with valine, which is neutral and non-polar, at codon 327 of the SETX protein (p.Glu327Val).

Literature cited by the submitters: PubMed 25382069.